The following is an entry in ClinVar:

ClinVar aggregate classification (germline): Uncertain significance (1 of 4 stars; one submission).

Conditions:
Leukodystrophy, hypomyelinating, 27 (HLD27). Identifiers: MedGen C5882743, MONDO:0958018, OMIM 620675.
Acrofacial dysostosis Cincinnati type. Identifiers: Orphanet 1200, MedGen C4225317, MONDO:0014651, OMIM 616462.

Submission:

Juno Genomics, Hangzhou Juno Genomics, Inc
Classification: Uncertain significance for Leukodystrophy, hypomyelinating, 27; Acrofacial dysostosis Cincinnati type. Review status: criteria provided, single submitter. Criteria: ACMG Guidelines, 2015. Collection method: clinical testing. Allele origin: germline.
Comment: Absent from controls (or at extremely low frequency if recessive) in Genome Aggregation Database.;Missense variant in a gene that has a low rate of benign missense variation.;Multiple lines of computational evidence support a deleterious effect on the gene or gene product.

NM_015425.6(POLR1A):c.1265A>G (p.Glu422Gly)

Gene: POLR1A (RNA polymerase I subunit A; minus strand). Cytogenetic location: 2p11.2.
Variant type: single nucleotide variant.
Coding change: c.1265A>G on transcript NM_015425.6 (MANE Select); coding-DNA position 1265, A replaced by G.
Protein change: p.Glu422Gly; replaces glutamic acid 422 with glycine.
Molecular consequence: missense variant.
Genome position (GRCh38, 1-based): chr2:86,077,974, T>C on the plus strand (A>G on the coding strand, the complement: POLR1A is on the minus strand). VCF-style: chr2-86077974-T-C. GRCh37 (hg19) VCF-style: chr2-86305097-T-C.
Other names: short protein forms E422G.
Identifiers: ClinVar variation 5006343 (VCV005006343.2).